The following is an entry in ClinVar:

NM_001242896.3(DEPDC5):c.2117G>T (p.Arg706Met)

Gene: DEPDC5 (DEP domain containing 5, GATOR1 subcomplex subunit; plus strand). Cytogenetic location: 22q12.3.
Variant type: single nucleotide variant.
Coding change: c.2117G>T on transcript NM_001242896.3 (MANE Select); coding-DNA position 2117, G replaced by T.
Protein change: p.Arg706Met; replaces arginine 706 with methionine.
Molecular consequence: missense variant. On other transcripts: non-coding transcript variant (5).
Genome position (GRCh38, 1-based): chr22:31,833,927, G>T. VCF-style: chr22-31833927-G-T. GRCh37 (hg19) VCF-style: chr22-32229913-G-T.
Other names: c.2117G>T, p.Arg706Met (NM_001136029.4, NM_001363852.2, NM_001364318.2 and 3 more transcripts); c.1883G>T, p.Arg628Met (NM_001242897.2, NM_001363854.2, NM_001364319.2); c.2033G>T, p.Arg678Met (NM_001369901.1, NM_001369902.1); short protein forms R628M, R706M, R678M.
Identifiers: ClinVar variation 421816 (VCV000421816.2), dbSNP rs1064795377, ClinGen allele CA16621110.
Genomic context (GRCh38, chr22:31,833,927, plus strand): 5'-TTTGCAGAGTGAGCCTTCTTAAGACAAGCTGTTTTTATCTTTCCATAGGTATGAATCCTA[G>T]GACCCAGAATAAGGATTCTCTAGAGGACAGTGTTTCTACCTCTCCAGACCCAAGTAAGAG-3'
Protein context (NP_001229825.1, residues 696-716): LSNSGAGMNP[Arg706Met]TQNKDSLEDS

ClinVar aggregate classification (germline): Uncertain significance (1 of 4 stars; one submission).

Allele frequency attached by ClinVar (database versions not stated): gnomAD exomes below 0.00001.
gnomAD v4.1: 1 of 1,594,492 alleles (0.000063%); highest among the groups gnomAD compares: Non-Finnish European, 0.000086%; no homozygotes.

Submission:

GeneDx
Classification: Uncertain significance. Last evaluated: 2016-08-03. Review status: criteria provided, single submitter. Criteria: GeneDx Variant Classification (06012015). Collection method: clinical testing. Allele origin: germline. Affected: yes.
Comment: The R706M variant in the DEPDC5 gene has not been reported previously as a pathogenic variant, nor as a benign variant, to our knowledge. The R706M variant was not observed in approximately 5600 individuals of European and African American ancestry in the NHLBI Exome Sequencing Project, indicating it is not a common benign variant in these populations. The R706M variant is a non-conservative amino acid substitution, which is likely to impact secondary protein structure as these residues differ in polarity, charge, size and/or other properties. This substitution occurs at a position where amino acids with similar properties to Arginine are tolerated across species. In silico analysis is inconsistent in its predictions as to whether or not the variant is damaging to the protein structure/function. We interpret R706M as a variant of uncertain significance.